The following is an entry in ClinVar:

ClinVar aggregate classification (germline): Uncertain significance. Review status: criteria provided, multiple submitters, no conflicts (2 of 4 stars). 3 submissions from 3 submitters: Uncertain significance (3). Last evaluated 2026-01-17.

Conditions:
Hereditary cancer-predisposing syndrome. Also called: Neoplastic Syndromes, Hereditary; Tumor predisposition; Hereditary Cancer Syndrome; Hereditary neoplastic syndrome. Identifiers: Orphanet 140162, MedGen C0027672, MeSH D009386, MONDO:0015356.

Allele frequency attached by ClinVar (database versions not stated): gnomAD exomes below 0.00001 and 0.00001; TOPMed 0.00001.
gnomAD v4.1: 4 of 1,612,228 alleles (0.00025%); highest among the groups gnomAD compares: Non-Finnish European, 0.00034%; no homozygotes.

Submissions (3):

Women's Health and Genetics/Laboratory Corporation of America, LabCorp
Classification: Uncertain significance. Last evaluated: 2026-01-17. Review status: criteria provided, single submitter. Criteria: LabCorp Variant Classification Summary - May 2015. Collection method: clinical testing. Allele origin: germline.

Ambry Genetics
Classification: Uncertain significance for Hereditary cancer-predisposing syndrome. Last evaluated: 2024-09-05. Review status: criteria provided, single submitter. Criteria: Ambry Variant Classification Scheme 2023. Collection method: clinical testing. Allele origin: germline.
Comment: The p.D1149N variant (also known as c.3445G>A), located in coding exon 22 of the RAD50 gene, results from a G to A substitution at nucleotide position 3445. The aspartic acid at codon 1149 is replaced by asparagine, an amino acid with highly similar properties. This amino acid position is well conserved in available vertebrate species. In addition, this alteration is predicted to be tolerated by in silico analysis. Since supporting evidence is limited at this time, the clinical significance of this alteration remains unclear.

Labcorp Genetics (formerly Invitae), Labcorp
Classification: Uncertain significance for Hereditary cancer-predisposing syndrome. Last evaluated: 2023-08-10. Review status: criteria provided, single submitter. Criteria: Invitae Variant Classification Sherloc (09022015). Collection method: clinical testing. Allele origin: germline.
Comment: In summary, the available evidence is currently insufficient to determine the role of this variant in disease. Therefore, it has been classified as a Variant of Uncertain Significance. Advanced modeling of protein sequence and biophysical properties (such as structural, functional, and spatial information, amino acid conservation, physicochemical variation, residue mobility, and thermodynamic stability) performed at Invitae indicates that this missense variant is expected to disrupt RAD50 protein function. ClinVar contains an entry for this variant (Variation ID: 457450). This variant has not been reported in the literature in individuals affected with RAD50-related conditions. This variant is present in population databases (no rsID available, gnomAD 0.0009%). This sequence change replaces aspartic acid, which is acidic and polar, with asparagine, which is neutral and polar, at codon 1149 of the RAD50 protein (p.Asp1149Asn).

NM_005732.4(RAD50):c.3445G>A (p.Asp1149Asn)

Genes: TH2-LCR (Th2 cytokine locus control region; plus strand), RAD50 (RAD50 double strand break repair protein; plus strand), TH2LCRR (T helper type 2 locus control region associated RNA; minus strand). Cytogenetic location: 5q31.1.
Variant type: single nucleotide variant.
Coding change: c.3445G>A on transcript NM_005732.4 (MANE Select); coding-DNA position 3445, G replaced by A.
Protein change: p.Asp1149Asn; replaces aspartic acid 1149 with asparagine.
Molecular consequence: missense variant.
Genome position (GRCh38, 1-based): chr5:132,637,170, G>A. VCF-style: chr5-132637170-G-A. GRCh37 (hg19) VCF-style: chr5-131972862-G-A.
Other names: short protein forms D1149N.
Identifiers: ClinVar variation 457450 (VCV000457450.16), dbSNP rs1391832085, ClinGen allele CA360930325.
Genomic context (GRCh38, chr5:132,637,170, plus strand): 5'-TCCAGAGCAATAATGAAATTTCACAGTATGAAAATGGAAGAAATCAATAAAATTATACGT[G>A]ACCTGTGGCGAAGTACCTATCGTGGACAAGGTGAGTACCATGGTGTATCACAAATGCTCT-3'
Protein context (NP_005723.2, residues 1139-1159): KMEEINKIIR[Asp1149Asn]LWRSTYRGQD